The following is an entry in ClinVar:

NM_004380.3(CREBBP):c.879G>A (p.Val293=)

Gene: CREBBP (CREB binding lysine acetyltransferase; minus strand). Cytogenetic location: 16p13.3.
Variant type: single nucleotide variant.
Coding change: c.879G>A on transcript NM_004380.3 (MANE Select); coding-DNA position 879, G replaced by A.
Protein change: p.Val293=; no amino-acid change (valine 293 retained).
Molecular consequence: synonymous variant.
Genome position (GRCh38, 1-based): chr16:3,810,699, C>T on the plus strand (G>A on the coding strand, the complement: CREBBP is on the minus strand). VCF-style: chr16-3810699-C-T. GRCh37 (hg19) VCF-style: chr16-3860700-C-T.
Other names: c.879G>A, p.Val293= (NM_001079846.1).
Identifiers: ClinVar variation 458206 (VCV000458206.60), dbSNP rs144344016, ClinGen allele CA7870567.
Genomic context (GRCh38, chr16:3,810,699, plus strand): 5'-ATCTGTAGGGAAGGTGGGCAAACTGTTGACCATGCTCTGTTTGCTGGCTAACTGGGGGTT[C>T]ACTCCAGTGGCTCCCATTGGCTGCCCTCCAGCTTGACTAAAGGGCTGTCCAAATGGACTT-3'
Protein context (NP_004371.2, residues 283-303): AGGQPMGATG[Val293=]NPQLASKQSM

ClinVar aggregate classification (germline): Benign/Likely benign. Review status: criteria provided, multiple submitters, no conflicts (2 of 4 stars). 10 submissions from 10 submitters: Benign (2); Likely benign (8). Last evaluated 2026-08-01.

Conditions:
Menke-Hennekam syndrome 1 (MKHK1). Identifiers: MedGen C5193034, MONDO:0020763, OMIM 618332.
Rubinstein-Taybi syndrome due to CREBBP mutations (RSTS1). Also called: RUBINSTEIN-TAYBI SYNDROME 1, INCOMPLETE; BROAD THUMB-HALLUX SYNDROME; CREBBP-Related Rubinstein-Taybi Syndrome; BROAD THUMBS AND GREAT TOES, CHARACTERISTIC FACIES, AND IMPAIRED INTELLECTUAL DEVELOPMENT; Rubinstein-Taybi syndrome 1; RUBINSTEIN SYNDROME. Identifiers: Orphanet 353277, Orphanet 783, MedGen C4551859, MONDO:0008393, OMIM 180849.
Inborn genetic diseases. Identifiers: MedGen C0950123, MeSH D030342.
Rubinstein-Taybi syndrome (RSTS). Identifiers: Orphanet 783, MedGen C0035934, MONDO:0019188.

Allele frequency attached by ClinVar (database versions not stated): gnomAD 0.00040 and 0.00041; TOPMed 0.00044; gnomAD exomes 0.00054 and 0.00057; ExAC 0.00068; ESP Exome Variant Server 0.00085.
gnomAD v4.1: 892 of 1,613,724 alleles (0.055%); highest among the groups gnomAD compares: Middle Eastern, 0.1%; 1 homozygote.

Submissions (10):

CeGaT Center for Human Genetics Tuebingen
Classification: Likely benign. Last evaluated: 2026-08-01. Review status: criteria provided, single submitter. Criteria: CeGaT Center For Human Genetics Tuebingen Variant Classification Criteria Version 2. Collection method: clinical testing. Allele origin: germline. Affected: yes. Observed: 6 variant alleles.
Comment: CREBBP: BP4, BP7

Labcorp Genetics (formerly Invitae), Labcorp
Classification: Likely benign for Rubinstein-Taybi syndrome. Last evaluated: 2026-01-12. Review status: criteria provided, single submitter. Criteria: Invitae Variant Classification Sherloc (09022015). Collection method: clinical testing. Allele origin: germline.

Laboratory of Genetics, Children's Clinical University Hospital Latvia
Classification: Likely benign. Last evaluated: 2025-02-16. Review status: criteria provided, single submitter. Criteria: ACMG Guidelines, 2015. Collection method: clinical testing. Allele origin: germline. Affected: yes.

Blueprint Genetics
Classification: Likely benign. Last evaluated: 2024-11-20. Review status: criteria provided, single submitter. Criteria: ACMG Guidelines, 2015. Collection method: clinical testing. Allele origin: germline.

Genetic Services Laboratory, University of Chicago
Classification: Likely benign. Last evaluated: 2021-07-30. Review status: criteria provided, single submitter. Criteria: ACMG Guidelines, 2015. Collection method: clinical testing. Allele origin: germline. Affected: no.

Fulgent Genetics
Classification: Likely benign for Rubinstein-Taybi syndrome due to CREBBP mutations; Menke-Hennekam syndrome 1. Last evaluated: 2021-07-28. Review status: criteria provided, single submitter. Criteria: ACMG Guidelines, 2015. Collection method: clinical testing. Allele origin: unknown.

GeneDx
Classification: Benign. Last evaluated: 2020-07-21. Review status: criteria provided, single submitter. Criteria: GeneDx Variant Classification Process June 2021. Collection method: clinical testing. Allele origin: germline. Affected: yes.

Ambry Genetics
Classification: Likely benign for Inborn genetic diseases. Last evaluated: 2019-12-12. Review status: criteria provided, single submitter. Criteria: Ambry Variant Classification Scheme 2023. Collection method: clinical testing. Allele origin: germline.

Eurofins Ntd Llc (ga)
Classification: Benign. Last evaluated: 2017-09-15. Review status: criteria provided, single submitter. Criteria: EGL Classification Definitions 2015. Collection method: clinical testing. Allele origin: germline. Observed: 1 variant allele, 1 heterozygote.

Breakthrough Genomics
Classification: Likely benign. Review status: criteria provided, single submitter. Criteria: ACMG Guidelines, 2015. Collection method: not provided. Allele origin: germline. Inheritance: Autosomal dominant inheritance. Affected: yes.